The following is an entry in ClinVar:

ClinVar aggregate classification (germline): Uncertain significance (1 of 4 stars; one submission).

Conditions:
Cardiomyopathy (CMYO). Also called: Cardiomyopathies. Identifiers: Orphanet 167848, MedGen C0878544, MONDO:0004994, HP:0001638. Inheritance: Various modes of inheritance.

gnomAD v4.1: 13 of 1,613,958 alleles (0.00081%); highest among the groups gnomAD compares: African/African-American, 0.0013%; no homozygotes.

Submission:

Color Diagnostics, LLC DBA Color Health
Classification: Uncertain significance for Cardiomyopathy. Last evaluated: 2025-04-14. Review status: criteria provided, single submitter. Criteria: ACMG Guidelines, 2015. Collection method: clinical testing. Allele origin: germline.
Comment: This variant is located in the 5' untranslated region of the TNNT2 gene. To our knowledge, functional studies have not been reported for this variant. This variant has been reported in an individual affected with dilated cardiomyopathy (PMID: 37904629). This variant has been identified in 1/31400 chromosomes in the general population by the Genome Aggregation Database (gnomAD). The available evidence is insufficient to determine the role of this variant in disease conclusively. Therefore, this variant is classified as a Variant of Uncertain Significance.

Literature cited by the submitters: PubMed 37904629.

NM_001276345.2(TNNT2):c.-11G>T

Gene: TNNT2 (troponin T2, cardiac type; minus strand). Cytogenetic location: 1q32.1.
Variant type: single nucleotide variant.
Coding change: c.-11G>T on transcript NM_001276345.2 (MANE Select); 11 bases upstream of the start codon, G replaced by T.
Molecular consequence: 5 prime UTR variant. On other transcripts: intron variant (2).
Genome position (GRCh38, 1-based): chr1:201,373,265, C>A on the plus strand (G>T on the coding strand, the complement: TNNT2 is on the minus strand). VCF-style: chr1-201373265-C-A. GRCh37 (hg19) VCF-style: chr1-201342393-C-A.
Other names: c.-11G>T (NM_000364.4, NM_001001430.3, NM_001001431.3 and 7 more transcripts); c.-5-6G>T (NM_001406727.1, NM_001406724.1).
Identifiers: ClinVar variation 4756630 (VCV004756630.1).
Genomic context (GRCh38, chr1:201,373,265, plus strand): 5'-GATACTCACTCCTCCTCGTACTCTTCCACCACCTCTTCTATGTCAGACATGGTCTCTGCT[C>A]TCCCTCCAAAAGGAGAAAAAAGTCAGTGCAGGTACAAAGGGAAGCCTGCCTTCCTCAGAA-3'